The following is an entry in ClinVar:

ClinVar aggregate classification (germline): Uncertain significance. Review status: criteria provided, multiple submitters, no conflicts (2 of 4 stars). 3 submissions from 3 submitters: Uncertain significance (3). Last evaluated 2025-10-13.

Conditions:
DICER1-related tumor predisposition. Also called: DICER1-related pleuropulmonary blastoma cancer predisposition syndrome; DICER1 syndrome. Identifiers: Orphanet 284343, MedGen C3839822, MONDO:0100216.
Hereditary cancer-predisposing syndrome. Also called: Neoplastic Syndromes, Hereditary; Tumor predisposition; Hereditary Cancer Syndrome; Hereditary neoplastic syndrome. Identifiers: Orphanet 140162, MedGen C0027672, MeSH D009386, MONDO:0015356.

Allele frequency attached by ClinVar (database versions not stated): gnomAD exomes below 0.00001.
gnomAD v4.1: 2 of 1,614,016 alleles (0.00012%); highest among the groups gnomAD compares: Non-Finnish European, 0.00017%; no homozygotes.

Submissions (3):

Labcorp Genetics (formerly Invitae), Labcorp
Classification: Uncertain significance for DICER1-related tumor predisposition. Last evaluated: 2025-10-13. Review status: criteria provided, single submitter. Criteria: Invitae Variant Classification Sherloc (09022015). Collection method: clinical testing. Allele origin: germline.
Comment: This sequence change replaces alanine, which is neutral and non-polar, with threonine, which is neutral and polar, at codon 20 of the DICER1 protein (p.Ala20Thr). This variant is not present in population databases (gnomAD no frequency). This variant has not been reported in the literature in individuals affected with DICER1-related conditions. ClinVar contains an entry for this variant (Variation ID: 543627). Invitae Evidence Modeling of protein sequence and biophysical properties (such as structural, functional, and spatial information, amino acid conservation, physicochemical variation, residue mobility, and thermodynamic stability) indicates that this missense variant is not expected to disrupt DICER1 protein function with a negative predictive value of 95%. In summary, the available evidence is currently insufficient to determine the role of this variant in disease. Therefore, it has been classified as a Variant of Uncertain Significance.

Ambry Genetics
Classification: Uncertain significance for Hereditary cancer-predisposing syndrome. Last evaluated: 2025-05-05. Review status: criteria provided, single submitter. Criteria: Ambry Variant Classification Scheme 2023. Collection method: clinical testing. Allele origin: germline.
Comment: The p.A20T variant (also known as c.58G>A), located in coding exon 1 of the DICER1 gene, results from a G to A substitution at nucleotide position 58. The alanine at codon 20 is replaced by threonine, an amino acid with similar properties. This amino acid position is highly conserved in available vertebrate species. In addition, the in silico prediction for this alteration is inconclusive. Since supporting evidence is limited at this time, the clinical significance of this alteration remains unclear.

Quest Diagnostics Nichols Institute San Juan Capistrano
Classification: Uncertain significance. Last evaluated: 2024-03-15. Review status: criteria provided, single submitter. Criteria: Quest Diagnostics criteria. Collection method: clinical testing. Allele origin: unknown.
Comment: The DICER1 c.58G>A (p.Ala20Thr) variant has not been reported in individuals with DICER1-related conditions in the published literature. It also has not been reported in large, multi-ethnic general populations (Genome Aggregation Database). Analysis of this variant using bioinformatics tools for the prediction of the effect of amino acid changes on protein structure and function yielded predictions that this variant is damaging. Based on the available information, we are unable to determine the clinical significance of this variant.

Literature cited by the submitters: PubMed 35739269 (cited by Quest Diagnostics Nichols Institute San Juan Capistrano); PubMed 31417090 (cited by Quest Diagnostics Nichols Institute San Juan Capistrano); PubMed 23027947 (cited by Quest Diagnostics Nichols Institute San Juan Capistrano).

NM_177438.3(DICER1):c.58G>A (p.Ala20Thr)

Gene: DICER1 (dicer 1, ribonuclease III; minus strand). Cytogenetic location: 14q32.13.
Variant type: single nucleotide variant.
Coding change: c.58G>A on transcript NM_177438.3 (MANE Select); coding-DNA position 58, G replaced by A.
Protein change: p.Ala20Thr; replaces alanine 20 with threonine.
Molecular consequence: missense variant.
Genome position (GRCh38, 1-based): chr14:95,133,401, C>T on the plus strand (G>A on the coding strand, the complement: DICER1 is on the minus strand). VCF-style: chr14-95133401-C-T. GRCh37 (hg19) VCF-style: chr14-95599738-C-T.
Other names: c.58G>A, p.Ala20Thr (NM_001195573.1, NM_001271282.3, NM_001291628.2 and 1 more transcripts); short protein forms A20T.
Identifiers: ClinVar variation 543627 (VCV000543627.16), dbSNP rs1555376579, ClinGen allele CA390890650.